The following is an entry in ClinVar:

NM_018263.6(ASXL2):c.1123G>A (p.Glu375Lys)

Gene: ASXL2 (ASXL transcriptional regulator 2; minus strand). Cytogenetic location: 2p23.3.
Variant type: single nucleotide variant.
Coding change: c.1123G>A on transcript NM_018263.6 (MANE Select); coding-DNA position 1123, G replaced by A.
Protein change: p.Glu375Lys; replaces glutamic acid 375 with lysine.
Molecular consequence: missense variant.
Genome position (GRCh38, 1-based): chr2:25,753,553, C>T on the plus strand (G>A on the coding strand, the complement: ASXL2 is on the minus strand). VCF-style: chr2-25753553-C-T. GRCh37 (hg19) VCF-style: chr2-25976422-C-T.
Other names: c.949G>A, p.Glu317Lys (NM_001369346.1); c.343G>A, p.Glu115Lys (NM_001369347.1); short protein forms E115K, E317K, E375K.
Identifiers: ClinVar variation 4082927 (VCV004082927.2).

ClinVar aggregate classification (germline): Uncertain significance (1 of 4 stars; one submission).

Submission:

GeneDx
Classification: Uncertain significance. Last evaluated: 2025-12-22. Review status: criteria provided, single submitter. Criteria: GeneDx Variant Classification Process June 2021. Collection method: clinical testing. Allele origin: germline.
Comment: Not observed at significant frequency in large population cohorts (gnomAD); In silico analysis supports that this missense variant has a deleterious effect on protein structure/function; Has not been previously published as pathogenic or benign to our knowledge